The following is an entry in ClinVar:

ClinVar aggregate classification (germline): Uncertain significance (1 of 4 stars; one submission).

Allele frequency attached by ClinVar (database versions not stated): gnomAD exomes below 0.00001; ExAC 0.00001.

Submission:

ARUP Laboratories, Molecular Genetics and Genomics, ARUP Laboratories
Classification: Uncertain significance. Last evaluated: 2019-01-23. Review status: criteria provided, single submitter. Criteria: ARUP Molecular Germline Variant Investigation Process. Collection method: clinical testing. Allele origin: germline.
Comment: The TTN c.11216A>G; p.Lys3739Arg (rs775847921) variant is rare in the general population (<1% allele frequency in the Genome Aggregation Database) and has not been reported in the medical literature in association with dilated cardiomyopathy (DCM) or other TTN-related disease. The clinical relevance of rare missense variants in this gene, which are identified on average once per individual sequenced in affected populations (Herman 2012), is not well understood. While the clinical significance of such variants is considered uncertain, evidence suggests that the vast majority of missense variants do not contribute to the clinical outcome of DCM (Begay 2015). Given the available evidence, the clinical significance of the p.Lys3739Arg variant cannot be determined with certainty. References: Herman DS et al. Truncations of titin causing dilated cardiomyopathy. N Engl J Med. 2012 Feb 16;366(7):619-28. Linke and Hamdani. Gigantic business: titin properties and function through thick and thin. Circ Res 2014; 114(6): 1052-1068.

NM_133379.5(TTN):c.11216A>G (p.Lys3739Arg)

Gene: TTN (titin; minus strand). Cytogenetic location: 2q31.2.
Variant type: single nucleotide variant.
Coding change: c.11216A>G on transcript NM_133379.5 (MANE Plus Clinical); coding-DNA position 11216, A replaced by G.
Protein change: p.Lys3739Arg; replaces lysine 3739 with arginine.
Molecular consequence: missense variant. On other transcripts: intron variant (6).
Genome position (GRCh38, 1-based): chr2:178,751,184, T>C on the plus strand (A>G on the coding strand, the complement: TTN is on the minus strand). VCF-style: chr2-178751184-T-C. GRCh37 (hg19) VCF-style: chr2-179615911-T-C.
Other names: c.10222+1940A>G (NM_003319.4); c.10798+1940A>G (NM_133437.4); c.10597+1940A>G (NM_133432.3); c.10360+1940A>G (NM_133378.4, NM_001256850.1); c.11311+1940A>G (NM_001267550.2); short protein forms K3739R.
Identifiers: ClinVar variation 811273 (VCV000811273.8), dbSNP rs775847921, ClinGen allele CA2003773.
Genomic context (GRCh38, chr2:178,751,184, plus strand): 5'-CTTTCAGCTAGATCAGACATAGATCTGATTTTCATGTCCTCTCTAGAGAACAGAATATCT[T>C]TATCACTAGCTTCACTTCTCAAAGTTCTTGAGCTTATTTCAGAAGACGTATCTAAAAGAG-3'